The following is an entry in ClinVar:

ClinVar aggregate classification (germline): Uncertain significance (1 of 4 stars; one submission).

Submission:

Women's Health and Genetics/Laboratory Corporation of America, LabCorp
Classification: Uncertain significance. Last evaluated: 2025-11-20. Review status: criteria provided, single submitter. Criteria: LabCorp Variant Classification Summary - May 2015. Collection method: clinical testing. Allele origin: germline.
Comment: Variant summary: The variant involves the deletion of exon 10 in the CRPPA gene. A presumed nomenclature of c.(1251+1_1252-1)_(*4171_?)del has been designated for the purposes of this classification. The exact breakpoint at the distal 3' end of this variant is unknown, therefore this deletion may extend downstream of the annotated region of the gene. As it encompasses the termination codon, it is predicted to escape nonsense mediated decay (NMD). The variant was absent in 21408 control chromosomes. The available data on variant occurrences in the general population are insufficient to allow any conclusion about variant significance. c.(1251+1_1252-1)_(*4171_?)del has been reported in the compound heterozygous state with a pathogenic variant in the literature in at least 1 individual affected with clinical features of Muscular dystrophy-dystroglycanopathy (congenital with brain and eye anomalies), type a, 7 (example, Diderich_2021). These data do not allow any conclusion about variant significance. To our knowledge, no experimental evidence demonstrating an impact on protein function has been reported. The following publication has been ascertained in the context of this evaluation (PMID: 33249554). No submitters have cited clinical-significance assessments for this variant to ClinVar. Based on the evidence outlined above, the variant was classified as uncertain significance.

Literature cited by the submitters: PubMed 33249554.

NC_000007.13:g.(?_16127149)_(16131425_16255690)del

Gene: CRPPA (CDP-L-ribitol pyrophosphorylase A; minus strand). Cytogenetic location: 7p21.2.
Variant type: Deletion.
Identifiers: ClinVar variation 3629823 (VCV003629823.2).